The following is an entry in ClinVar:

ClinVar aggregate classification (germline): Likely pathogenic (1 of 4 stars; one submission).

Conditions:
Hereditary insensitivity to pain with anhidrosis (CIPA). Also called: INSENSITIVITY TO PAIN, CONGENITAL, WITH ANHIDROSIS; hereditary sensory and autonomic neuropathy type 4; FAMILIAL DYSAUTONOMIA, TYPE II; NEUROPATHY, CONGENITAL SENSORY, WITH ANHIDROSIS; NTRK1 Congenital Insensitivity to Pain with Anhidrosis; HSAN Type IV. Identifiers: Orphanet 642, MedGen C0020074, MONDO:0009746, OMIM 256800.

Submission:

Natera, Inc.
Classification: Likely pathogenic for Hereditary insensitivity to pain with anhidrosis. Last evaluated: 2025-12-23. Review status: criteria provided, single submitter. Criteria: Natera Variant Classification Schema (03/2026). Collection method: clinical testing. Allele origin: germline.
Comment: The c.392_396del variant in NTRK1 is a frameshift variant predicted to shift the reading frame and introduce a stop codon. This variant is expected to result in nonsense mediated decay, truncation, or a dysfunctional protein product. This variant is rare in the general population with a frequency below the threshold expected for the associated phenotype(s). Given the available evidence, this variant is classified as Likely Pathogenic.

NM_002529.4(NTRK1):c.392_396del (p.Leu130_Ser131insTer)

Gene: NTRK1 (neurotrophic receptor tyrosine kinase 1; plus strand). Cytogenetic location: 1q23.1.
Variant type: Deletion.
Coding change: c.392_396del on transcript NM_002529.4 (MANE Select); coding-DNA positions 392 to 396, 5 bases deleted (CCTGG; older notation c.392_396delCCTGG).
Protein change: p.Leu130_Ser131insTer.
Molecular consequence: nonsense. On other transcripts: frameshift variant (1).
Genome position (GRCh38, 1-based): chr1:156,866,942-156,866,946, CCTGG deleted. VCF-style (leftmost placement, unchanged base first): chr1-156866941-TCCTGG-T. GRCh37 (hg19) VCF-style: chr1-156836733-TCCTGG-T.
Other names: c.302_306del, p.Leu100_Ser101insTer (NM_001007792.1); c.392_396delCCTGG, p.Ser131Terfs (NM_001012331.1); c.392_396del, p.Leu130_Ser131insTer (NM_001012331.2).
Identifiers: ClinVar variation 4814517 (VCV004814517.1).